The following is an entry in ClinVar:

ClinVar aggregate classification (germline): Pathogenic/Likely pathogenic. Review status: criteria provided, multiple submitters, no conflicts (2 of 4 stars). 4 submissions from 4 submitters: Pathogenic (3); Likely pathogenic (1). Last evaluated 2024-07-18.

Conditions:
Hyperlipoproteinemia, type I. Also called: Familial hyperlipo-proteinemia type 1; Hyperlipemia essential familial; HYPERLIPOPROTEINEMIA, TYPE IA; LPL DEFICIENCY; Hyperlipoproteinemia type 1; Hyperchylomicro-nemia familial. Identifiers: Orphanet 309015, Orphanet 444490, MedGen C0023817, MONDO:0009387, OMIM 238600. Disease mechanism: loss of function.

Submissions (4):

Mayo Clinic Laboratories, Mayo Clinic
Classification: Pathogenic. Last evaluated: 2024-07-18. Review status: criteria provided, single submitter. Criteria: ACMG Guidelines, 2015. Collection method: clinical testing. Allele origin: germline. Observed: 1 variant allele.
Comment: PM2, PS4_supporting, PVS1

Genomic Medicine Center of Excellence, King Faisal Specialist Hospital and Research Centre
Classification: Pathogenic for Hyperlipoproteinemia, type I. Last evaluated: 2024-03-25. Review status: criteria provided, single submitter. Criteria: ACMG Guidelines, 2015. Collection method: research. Allele origin: germline.

Labcorp Genetics (formerly Invitae), Labcorp
Classification: Pathogenic. Last evaluated: 2022-03-28. Review status: criteria provided, single submitter. Criteria: Invitae Variant Classification Sherloc (09022015). Collection method: clinical testing. Allele origin: germline.
Comment: This variant has not been reported in the literature in individuals affected with LPL-related conditions. For these reasons, this variant has been classified as Pathogenic. This variant is not present in population databases (gnomAD no frequency). This sequence change creates a premature translational stop signal (p.Trp417*) in the LPL gene. It is expected to result in an absent or disrupted protein product. Loss-of-function variants in LPL are known to be pathogenic (PMID: 11334614).

AiLife Diagnostics
Classification: Likely pathogenic. Last evaluated: 2021-05-20. Review status: criteria provided, single submitter. Criteria: ACMG Guidelines, 2015. Collection method: clinical testing. Allele origin: germline. Affected: yes. Observed: 1 variant allele.

Literature cited by the submitters: PubMed 11334614 (cited by Mayo Clinic Laboratories, Mayo Clinic and Labcorp Genetics (formerly Invitae), Labcorp); PubMed 24081181 (cited by Mayo Clinic Laboratories, Mayo Clinic); PubMed 32332168 (cited by Mayo Clinic Laboratories, Mayo Clinic); PubMed 36325899 (cited by Mayo Clinic Laboratories, Mayo Clinic); PubMed 36476373 (cited by Mayo Clinic Laboratories, Mayo Clinic); PubMed 9323055 (cited by Mayo Clinic Laboratories, Mayo Clinic).

NM_000237.3(LPL):c.1250G>A (p.Trp417Ter)

Gene: LPL (lipoprotein lipase; plus strand). Cytogenetic location: 8p21.3.
Variant type: single nucleotide variant.
Coding change: c.1250G>A on transcript NM_000237.3 (MANE Select); coding-DNA position 1250, G replaced by A.
Protein change: p.Trp417Ter; replaces tryptophan 417 with a stop codon.
Molecular consequence: nonsense.
Genome position (GRCh38, 1-based): chr8:19,961,011, G>A. VCF-style: chr8-19961011-G-A. GRCh37 (hg19) VCF-style: chr8-19818522-G-A.
Other names: p.Trp417*; short protein forms W417*.
Identifiers: ClinVar variation 1677766 (VCV001677766.9), dbSNP rs2128839600, ClinGen allele CA370638757.